The following is an entry in ClinVar:

NM_000535.7(PMS2):c.214_215insAAGTTTCA (p.Gly72fs)

Gene: PMS2 (PMS1 homolog 2, mismatch repair system component; minus strand). Cytogenetic location: 7p22.1.
Variant type: Insertion.
Coding change: c.214_215insAAGTTTCA on transcript NM_000535.7 (MANE Select); coding-DNA positions 214 to 215, AAGTTTCA inserted.
Protein change: p.Gly72fs; shifts the reading frame from glycine 72.
Molecular consequence: frameshift variant. On other transcripts: 5 prime UTR variant (11), non-coding transcript variant (1).
Genome position: GRCh38 VCF-style: chr7-6004007-C-CTGAAACTT. GRCh37 (hg19) VCF-style: chr7-6043638-C-CTGAAACTT.
Other names: c.-192_-191insAAGTTTCA (NM_001322003.2, NM_001322004.2, NM_001322005.2 and 3 more transcripts); c.214_215insAAGTTTCA, p.Gly72fs (NM_001322006.2, NM_001322014.2); c.-2_-1insAAGTTTCA (NM_001322007.2, NM_001322008.2); c.-671_-670insAAGTTTCA (NM_001322011.2, NM_001322012.2); c.-271_-270insAAGTTTCA (NM_001322015.2); short protein forms G72fs.
Identifiers: ClinVar variation 993143 (VCV000993143.8), dbSNP rs1785419483, ClinGen allele CA1139659969.

ClinVar aggregate classification (germline): Pathogenic/Likely pathogenic. Review status: criteria provided, multiple submitters, no conflicts (2 of 4 stars). 6 submissions from 6 submitters: Pathogenic (3); Likely pathogenic (3). Last evaluated 2025-01-08.

Conditions:
Hereditary nonpolyposis colorectal neoplasms. Identifiers: MedGen C0009405, MeSH D003123.
Hereditary cancer-predisposing syndrome. Also called: Neoplastic Syndromes, Hereditary; Hereditary Cancer Syndrome; Tumor predisposition; Hereditary neoplastic syndrome. Identifiers: Orphanet 140162, MedGen C0027672, MeSH D009386, MONDO:0015356.
Lynch syndrome. Identifiers: Orphanet 144, MedGen C4552100, MONDO:0005835. Disease mechanism: loss of function.
Lynch syndrome 4 (LYNCH4). Also called: Hereditary non-polyposis colorectal cancer, type 4; Colorectal cancer, hereditary nonpolyposis, type 4. Identifiers: Orphanet 144, MedGen C1838333, MONDO:0013699, OMIM 614337. Disease mechanism: loss of function.

Submissions (6):

Labcorp Genetics (formerly Invitae), Labcorp
Classification: Pathogenic for Hereditary nonpolyposis colorectal neoplasms. Last evaluated: 2025-01-08. Review status: criteria provided, single submitter. Criteria: Invitae Variant Classification Sherloc (09022015). Collection method: clinical testing. Allele origin: germline.
Comment: This sequence change creates a premature translational stop signal (p.Gly72Glufs*7) in the PMS2 gene. It is expected to result in an absent or disrupted protein product. Loss-of-function variants in PMS2 are known to be pathogenic (PMID: 21376568, 24362816). This variant is not present in population databases (gnomAD no frequency). This variant has not been reported in the literature in individuals affected with PMS2-related conditions. ClinVar contains an entry for this variant (Variation ID: 993143). For these reasons, this variant has been classified as Pathogenic.

All of Us Research Program, National Institutes of Health
Classification: Likely pathogenic for Lynch syndrome. Last evaluated: 2024-01-09. Review status: criteria provided, single submitter. Criteria: ACMG Guidelines, 2015. Collection method: clinical testing. Allele origin: germline. Inheritance: Autosomal dominant inheritance. Observed: 1 variant allele, 1 heterozygote.
Comment: The c.214_215insAAGTTTCA variant is located in exon 3 of the PMS2 gene. This 8 bp insertion results in a shift of reading frame such that it introduces a premature translation termination codon (p.Gly72Glufs*7). It is expected to result in an absent or disrupted protein product. Loss-of-function variants in PMS2 are known to be pathogenic (PMID: 28514183, 25512458, 35223509). ClinVar contains an entry for this variant (ID: 993143). This variant is absent in the general population database (gnomAD). Therefore, the c.214_215insAAGTTTCA (p.Gly72Glufs*7) variant in the PMS2 gene is classified as likely pathogenic.

This study involves interpretation of variants in research participants for the purpose of population health screening. Participant phenotype was not available at the time of variant classification. Additional details can be found in publication PMID: 35346344, PMCID: PMC8962531

Human Genome Sequencing Center Clinical Lab, Baylor College of Medicine
Classification: Likely pathogenic for Lynch syndrome. Last evaluated: 2023-10-05. Review status: criteria provided, single submitter. Criteria: ACMG Guidelines, 2015. Collection method: clinical testing. Allele origin: unknown.
Comment: The c.214_215insAAGTTTCA variant is located in exon 3 of the PMS2 gene. This 8 bp insertion results in a shift of reading frame such that it introduces a premature translation termination codon (p.Gly72Glufs*7). It is expected to result in an absent or disrupted protein product. Loss-of-function variants in PMS2 are known to be pathogenic (PMID: 28514183, 25512458, 35223509). ClinVar contains an entry for this variant (ID: 993143). This variant is absent in the general population database (gnomAD). Therefore, the c.214_215insAAGTTTCA (p.Gly72Glufs*7) variant in the PMS2 gene is classified as likely pathogenic.

Myriad Genetics, Inc.
Classification: Pathogenic for Lynch syndrome 4. Last evaluated: 2023-09-18. Review status: criteria provided, single submitter. Criteria: Myriad Autosomal Dominant, Autosomal Recessive and X-Linked Classification Criteria (2023). Collection method: clinical testing. Allele origin: unknown.
Comment: This variant is considered pathogenic. This variant creates a frameshift predicted to result in premature protein truncation.

Ambry Genetics
Classification: Pathogenic for Hereditary cancer-predisposing syndrome. Last evaluated: 2021-12-29. Review status: criteria provided, single submitter. Criteria: Ambry Variant Classification Scheme 2023. Collection method: clinical testing. Allele origin: germline.
Comment: The c.214_215insAAGTTTCA pathogenic mutation, located in coding exon 3 of the PMS2 gene, results from an insertion of 8 nucleotides at position 214, causing a translational frameshift with a predicted alternate stop codon (p.G72Efs*7). This variant is considered to be rare based on population cohorts in the Genome Aggregation Database (gnomAD). This alteration is expected to result in loss of function by premature protein truncation or nonsense-mediated mRNA decay. As such, this alteration is interpreted as a disease-causing mutation.

Quest Diagnostics Nichols Institute San Juan Capistrano
Classification: Likely pathogenic. Last evaluated: 2019-08-30. Review status: criteria provided, single submitter. Criteria: Quest Diagnostics criteria. Collection method: clinical testing. Allele origin: unknown.
Comment: The variant results in a shift of the reading frame, and is therefore predicted to result in the loss of a functional protein. Not found in the total gnomAD dataset, and the data is high quality.

Literature cited by the submitters: PubMed 21376568 (cited by Labcorp Genetics (formerly Invitae), Labcorp); PubMed 24362816 (cited by Labcorp Genetics (formerly Invitae), Labcorp); PubMed 25512458 (cited by All of Us Research Program, National Institutes of Health); PubMed 28514183 (cited by All of Us Research Program, National Institutes of Health); PubMed 35223509 (cited by All of Us Research Program, National Institutes of Health).